The following is an entry in ClinVar:

ClinVar aggregate classification (germline): Uncertain significance (1 of 4 stars; one submission).

Conditions:
Perlman syndrome (PRLMNS). Identifiers: Orphanet 2849, MedGen C0796113, MONDO:0009965, OMIM 267000.

Allele frequency attached by ClinVar (database versions not stated): gnomAD exomes 0.00001.
gnomAD v4.1: 12 of 1,614,030 alleles (0.00074%); highest among the groups gnomAD compares: Non-Finnish European, 0.00093%; no homozygotes.

Submission:

Labcorp Genetics (formerly Invitae), Labcorp
Classification: Uncertain significance for Perlman syndrome. Last evaluated: 2023-02-27. Review status: criteria provided, single submitter. Criteria: Invitae Variant Classification Sherloc (09022015). Collection method: clinical testing. Allele origin: germline.
Comment: This sequence change replaces alanine, which is neutral and non-polar, with serine, which is neutral and polar, at codon 30 of the DIS3L2 protein (p.Ala30Ser). In summary, the available evidence is currently insufficient to determine the role of this variant in disease. Therefore, it has been classified as a Variant of Uncertain Significance. Algorithms developed to predict the effect of missense changes on protein structure and function output the following: SIFT: "Not Available"; PolyPhen-2: "Benign"; Align-GVGD: "Not Available". The serine amino acid residue is found in multiple mammalian species, which suggests that this missense change does not adversely affect protein function. ClinVar contains an entry for this variant (Variation ID: 1402042). This variant has not been reported in the literature in individuals affected with DIS3L2-related conditions. This variant is present in population databases (no rsID available, gnomAD 0.003%).

NM_152383.5(DIS3L2):c.88G>T (p.Ala30Ser)

Gene: DIS3L2 (DIS3 like 3'-5' exoribonuclease 2; plus strand). Cytogenetic location: 2q37.1.
Variant type: single nucleotide variant.
Coding change: c.88G>T on transcript NM_152383.5 (MANE Select); coding-DNA position 88, G replaced by T.
Protein change: p.Ala30Ser; replaces alanine 30 with serine.
Molecular consequence: missense variant. On other transcripts: non-coding transcript variant (2).
Genome position (GRCh38, 1-based): chr2:232,015,549, G>T. VCF-style: chr2-232015549-G-T. GRCh37 (hg19) VCF-style: chr2-232880259-G-T.
Other names: c.88G>T, p.Ala30Ser (NM_001257281.2, NM_001257282.2); short protein forms A30S.
Identifiers: ClinVar variation 1402042 (VCV001402042.6), dbSNP rs1165526823, ClinGen allele CA351151874.